The following is an entry in ClinVar:

NM_005245.4(FAT1):c.5313A>G (p.Thr1771=)

Gene: FAT1 (FAT atypical cadherin 1; minus strand). Cytogenetic location: 4q35.2.
Variant type: single nucleotide variant.
Coding change: c.5313A>G on transcript NM_005245.4 (MANE Select); coding-DNA position 5313, A replaced by G.
Protein change: p.Thr1771=; no amino-acid change (threonine 1771 retained).
Molecular consequence: synonymous variant.
Genome position (GRCh38, 1-based): chr4:186,621,273, T>C on the plus strand (A>G on the coding strand, the complement: FAT1 is on the minus strand). VCF-style: chr4-186621273-T-C. GRCh37 (hg19) VCF-style: chr4-187542427-T-C.
Other names: c.5313A>G (NM_005245.3).
Identifiers: ClinVar variation 2046853 (VCV002046853.7), dbSNP rs186222414, ClinGen allele CA3166485.

ClinVar aggregate classification (germline): Benign/Likely benign. Review status: criteria provided, multiple submitters, no conflicts (2 of 4 stars). 3 submissions from 3 submitters: Benign (1); Likely benign (1). 1 of the submissions does not count toward it. Last evaluated 2026-01-15.

Conditions:
FAT1-related disorder. Also called: FAT1-related condition.

Allele frequency attached by ClinVar (database versions not stated): ESP Exome Variant Server 0.00008; gnomAD exomes 0.00012; TOPMed 0.00025; gnomAD 0.00031; ExAC 0.00046; 1000 Genomes Project 30x 0.00125; 1000 Genomes Project 0.00160.
gnomAD v4.1: 241 of 1,614,060 alleles (0.015%); highest among the groups gnomAD compares: East Asian, 0.35%; 2 homozygotes.

Submissions (3):

Labcorp Genetics (formerly Invitae), Labcorp
Classification: Benign. Last evaluated: 2026-01-15. Review status: criteria provided, single submitter. Criteria: Invitae Variant Classification Sherloc (09022015). Collection method: clinical testing. Allele origin: germline.

Blueprint Genetics
Classification: Likely benign. Last evaluated: 2024-10-30. Review status: criteria provided, single submitter. Criteria: ACMG Guidelines, 2015. Collection method: clinical testing. Allele origin: germline.

PreventionGenetics, part of Exact Sciences
Classification: Likely benign for FAT1-related condition. Last evaluated: 2019-03-27. Review status: no assertion criteria provided. Collection method: clinical testing. Allele origin: germline. Not counted in ClinVar's aggregate classification.
Comment: This variant is classified as likely benign based on ACMG/AMP sequence variant interpretation guidelines (Richards et al. 2015 PMID: 25741868, with internal and published modifications).